The following is an entry in ClinVar:

ClinVar aggregate classification (germline): Uncertain significance. Review status: criteria provided, multiple submitters, no conflicts (2 of 4 stars). 2 submissions from 2 submitters: Uncertain significance (2). Last evaluated 2023-10-17.

Conditions:
Hereditary cancer-predisposing syndrome. Also called: Tumor predisposition; Hereditary neoplastic syndrome; Neoplastic Syndromes, Hereditary; Hereditary Cancer Syndrome. Identifiers: Orphanet 140162, MedGen C0027672, MeSH D009386, MONDO:0015356.
Rhabdoid tumor predisposition syndrome 2 (RTPS2). Identifiers: Orphanet 231108, Orphanet 69077, MedGen C2750074, MONDO:0013224, OMIM 613325.

Allele frequency attached by ClinVar (database versions not stated): gnomAD exomes below 0.00001 and 0.00001; ExAC 0.00001; gnomAD 0.00001; TOPMed 0.00001.
gnomAD v4.1: 3 of 1,612,506 alleles (0.00019%); highest among the groups gnomAD compares: East Asian, 0.0022%; no homozygotes.

Submissions (2):

Labcorp Genetics (formerly Invitae), Labcorp
Classification: Uncertain significance for Rhabdoid tumor predisposition syndrome 2. Last evaluated: 2023-10-17. Review status: criteria provided, single submitter. Criteria: Invitae Variant Classification Sherloc (09022015). Collection method: clinical testing. Allele origin: germline.
Comment: This sequence change replaces glutamic acid, which is acidic and polar, with lysine, which is basic and polar, at codon 1468 of the SMARCA4 protein (p.Glu1468Lys). This variant is present in population databases (rs779143381, gnomAD 0.006%). This variant has not been reported in the literature in individuals affected with SMARCA4-related conditions. ClinVar contains an entry for this variant (Variation ID: 858713). Advanced modeling of protein sequence and biophysical properties (such as structural, functional, and spatial information, amino acid conservation, physicochemical variation, residue mobility, and thermodynamic stability) performed at Invitae indicates that this missense variant is not expected to disrupt SMARCA4 protein function. In summary, the available evidence is currently insufficient to determine the role of this variant in disease. Therefore, it has been classified as a Variant of Uncertain Significance.

Ambry Genetics
Classification: Uncertain significance for Hereditary cancer-predisposing syndrome. Last evaluated: 2017-09-22. Review status: criteria provided, single submitter. Criteria: Ambry Variant Classification Scheme 2023. Collection method: clinical testing. Allele origin: germline.
Comment: The p.E1468K variant (also known as c.4402G>A), located in coding exon 30 of the SMARCA4 gene, results from a G to A substitution at nucleotide position 4402. The glutamic acid at codon 1468 is replaced by lysine, an amino acid with similar properties. This amino acid position is not well conserved in available vertebrate species. In addition, this alteration is predicted to be tolerated by in silico analysis. Since supporting evidence is limited at this time, the clinical significance of this alteration remains unclear.

NM_003072.5(SMARCA4):c.4306G>A (p.Glu1436Lys)

Gene: SMARCA4 (SWI/SNF related BAF chromatin remodeling complex subunit ATPase 4; plus strand). Cytogenetic location: 19p13.2.
Variant type: single nucleotide variant.
Coding change: c.4306G>A on transcript NM_003072.5 (MANE Select); coding-DNA position 4306, G replaced by A.
Protein change: p.Glu1436Lys; replaces glutamic acid 1436 with lysine.
Molecular consequence: missense variant. On other transcripts: non-coding transcript variant (1).
Genome position (GRCh38, 1-based): chr19:11,041,442, G>A. VCF-style: chr19-11041442-G-A. GRCh37 (hg19) VCF-style: chr19-11152118-G-A.
Other names: c.4306G>A, p.Glu1436Lys (NM_001128844.3); c.4216G>A, p.Glu1406Lys (NM_001128845.2, NM_001128846.2); c.4207G>A, p.Glu1403Lys (NM_001128847.4, NM_001128848.2, NM_001374457.1); c.4402G>A, p.Glu1468Lys (NM_001128849.3); short protein forms E1468K, E1403K, E1406K, E1436K.
Identifiers: ClinVar variation 858713 (VCV000858713.12), dbSNP rs779143381, ClinGen allele CA9204700.
Genomic context (GRCh38, chr19:11,041,442, plus strand): 5'-GACAGCGACGCCGGCTCCTCCACCCCGACCACCAGCACCCGCAGCCGCGACAAGGACGAC[G>A]AGAGCAAGAAGCAGAAGAAGCGCGGGCGGCCGCCTGCCGAGAAACTCTCCCCTAACCCAC-3'
Protein context (NP_003063.2, residues 1426-1446): TSTRSRDKDD[Glu1436Lys]SKKQKKRGRP